The following is an entry in ClinVar:

ClinVar aggregate classification (germline): Conflicting classifications of pathogenicity. Review status: criteria provided, conflicting classifications (1 of 4 stars). 10 submissions from 10 submitters: Uncertain significance (1); Likely benign (5). 4 of the submissions do not count toward it. Last evaluated 2026-02-02.

Conditions:
PCDH15-related disorder. Also called: PCDH15-related disorders; PCDH15-related condition.
Usher syndrome type 1F (USH1F). Also called: USHER SYNDROME, TYPE IF. Identifiers: Orphanet 231169, Orphanet 886, MedGen C1865885, MONDO:0011186, OMIM 602083.

Submissions (10):

Labcorp Genetics (formerly Invitae), Labcorp
Classification: Likely benign. Last evaluated: 2026-02-02. Review status: criteria provided, single submitter. Criteria: Invitae Variant Classification Sherloc (09022015). Collection method: clinical testing. Allele origin: germline.

CeGaT Center for Human Genetics Tuebingen
Classification: Likely benign. Last evaluated: 2024-12-01. Review status: criteria provided, single submitter. Criteria: CeGaT Center For Human Genetics Tuebingen Variant Classification Criteria Version 2. Collection method: clinical testing. Allele origin: germline. Affected: yes. Observed: 4 variant alleles.
Comment: PCDH15: BS1:Supporting, BS2

Blueprint Genetics
Classification: Likely benign. Last evaluated: 2024-11-25. Review status: criteria provided, single submitter. Criteria: ACMG Guidelines, 2015. Collection method: clinical testing. Allele origin: germline.

GeneDx
Classification: Likely benign. Last evaluated: 2023-09-25. Review status: criteria provided, single submitter. Criteria: GeneDx Variant Classification Process June 2021. Collection method: clinical testing. Allele origin: germline. Affected: yes.
Comment: See Variant Classification Assertion Criteria.

Eurofins Ntd Llc (ga)
Classification: Uncertain significance. Last evaluated: 2013-08-14. Review status: criteria provided, single submitter. Criteria: EGL Classification Definitions 2015. Collection method: clinical testing. Allele origin: germline. Observed: 3 variant alleles, 3 heterozygotes.

Laboratory for Molecular Medicine, Mass General Brigham Personalized Medicine
Classification: Likely benign. Last evaluated: 2013-02-07. Review status: criteria provided, single submitter. Criteria: LMM Criteria. Collection method: clinical testing. Allele origin: germline. Observed: 9 variant alleles.
Comment: p.Pro1752del in exon 33 of PCDH15: This variant is not expected to have clinical significance because it has been seen in 0.6% (5/878) of control chromosomes (S tabej 2012) and results in an in-frame deletion of a Pro residue in a non-conser ved proline tract.

PreventionGenetics, part of Exact Sciences
Classification: Likely benign for PCDH15-related condition. Last evaluated: 2020-09-16. Review status: no assertion criteria provided. Collection method: clinical testing. Allele origin: germline. Not counted in ClinVar's aggregate classification.
Comment: This variant is classified as likely benign based on ACMG/AMP sequence variant interpretation guidelines (Richards et al. 2015 PMID: 25741868, with internal and published modifications).

Natera, Inc.
Classification: Benign for Usher syndrome type 1F. Last evaluated: 2019-09-25. Review status: no assertion criteria provided. Collection method: clinical testing. Allele origin: germline. Not counted in ClinVar's aggregate classification.

Clinical Genetics DNA and cytogenetics Diagnostics Lab, Erasmus MC, Erasmus Medical Center
Classification: Likely benign. Review status: no assertion criteria provided. Collection method: clinical testing. Allele origin: germline. Affected: yes. Study: VKGL Data-share Consensus. Not counted in ClinVar's aggregate classification.

Clinical Genetics, Academic Medical Center
Classification: Likely benign. Review status: no assertion criteria provided. Collection method: clinical testing. Allele origin: germline. Affected: yes. Study: VKGL Data-share Consensus. Not counted in ClinVar's aggregate classification.

Literature cited by the submitters: PubMed 22135276 (cited by Laboratory for Molecular Medicine, Mass General Brigham Personalized Medicine).

NM_033056.4(PCDH15):c.5245CCT[3] (p.Pro1752del)

Gene: PCDH15 (protocadherin related 15; minus strand). Cytogenetic location: 10q21.1.
Variant type: Microsatellite.
Coding change: c.5245CCT[3] on transcript NM_033056.4 (MANE Plus Clinical); three copies in a row of the 3-base unit CCT starting at c.5245; the reference has four copies in a row; one copy, 3 bases deleted; also written c.5254_5256del.
Protein change: p.Pro1752del; deletes proline 1752.
Molecular consequence: inframe deletion. On other transcripts: intron variant (8).
Genome position (GRCh38, 1-based): chr10:53,822,470-53,822,472, AGG deleted on the plus strand (CCT on the coding strand, the reverse complement: PCDH15 is on the minus strand); deleting any 3 consecutive bases within chr10:53,822,470-53,822,481 gives the same sequence; the position shown is the placement nearest the transcript's 3' end. VCF-style (leftmost placement, unchanged base first): chr10-53822469-TAGG-T. GRCh37 (hg19) VCF-style: chr10-55582229-TAGG-T.
Other names: c.5254_5256del (NM_033056.3, NM_033056.4); c.5266CCT[3], p.Pro1759del (NM_001142763.2); c.5251CCT[3], p.Pro1754del (NM_001142764.2); c.5038CCT[3], p.Pro1683del (NM_001142765.2); c.5236CCT[3], p.Pro1749del (NM_001142766.2); c.5125CCT[3], p.Pro1712del (NM_001142767.2); c.5185CCT[3], p.Pro1732del (NM_001142768.2); c.5176CCT[3], p.Pro1729del (NM_001142773.2); and 8 more; short protein forms P1752del, P1730del, P1732del, P1683del, P1712del, P1749del, P1729del, P1754del.
Identifiers: ClinVar variation 46488 (VCV000046488.70), dbSNP rs397517462, ClinGen allele CA138449.